The following is an entry in ClinVar:

ClinVar aggregate classification (germline): Uncertain significance (1 of 4 stars; one submission).

Conditions:
Hereditary cancer-predisposing syndrome. Also called: Tumor predisposition; Hereditary neoplastic syndrome; Hereditary Cancer Syndrome; Neoplastic Syndromes, Hereditary. Identifiers: Orphanet 140162, MedGen C0027672, MeSH D009386, MONDO:0015356.

Submission:

Ambry Genetics
Classification: Uncertain significance for Hereditary cancer-predisposing syndrome. Last evaluated: 2025-03-20. Review status: criteria provided, single submitter. Criteria: Ambry Variant Classification Scheme 2023. Collection method: clinical testing. Allele origin: germline.
Comment: The p.I493T variant (also known as c.1478T>C), located in coding exon 11 of the POLD1 gene, results from a T to C substitution at nucleotide position 1478. The isoleucine at codon 493 is replaced by threonine, an amino acid with similar properties. This amino acid position is conserved. In addition, the in silico prediction for this alteration is inconclusive. Based on the available evidence, the clinical significance of this variant remains unclear.

NM_002691.4(POLD1):c.1478T>C (p.Ile493Thr)

Gene: POLD1 (DNA polymerase delta 1, catalytic subunit; plus strand). Cytogenetic location: 19q13.33.
Variant type: single nucleotide variant.
Coding change: c.1478T>C on transcript NM_002691.4 (MANE Select); coding-DNA position 1478, T replaced by C.
Protein change: p.Ile493Thr; replaces isoleucine 493 with threonine.
Molecular consequence: missense variant. On other transcripts: non-coding transcript variant (1).
Genome position (GRCh38, 1-based): chr19:50,406,501, T>C. VCF-style: chr19-50406501-T-C. GRCh37 (hg19) VCF-style: chr19-50909758-T-C.
Other names: c.1478T>C, p.Ile493Thr (NM_001256849.1, NM_001308632.1); short protein forms I493T.
Identifiers: ClinVar variation 3935544 (VCV003935544.1).